The following is an entry in ClinVar:

NM_001330078.2(NRXN1):c.1760-8T>C

Gene: NRXN1 (neurexin 1; minus strand). Cytogenetic location: 2p16.3.
Variant type: single nucleotide variant.
Coding change: c.1760-8T>C on transcript NM_001330078.2 (MANE Select); 8 bases into the intron before coding-DNA position 1760, T replaced by C.
Molecular consequence: intron variant.
Genome position (GRCh38, 1-based): chr2:50,538,644, A>G on the plus strand (T>C on the coding strand, the complement: NRXN1 is on the minus strand). VCF-style: chr2-50538644-A-G. GRCh37 (hg19) VCF-style: chr2-50765782-A-G.
Other names: c.1676-8T>C (NM_001330096.2, NM_001330087.2); c.1721-8T>C (NM_001330083.2, NM_001330084.2); c.1706-8T>C (NM_001330088.2); c.1757-8T>C (NM_001330093.2); c.1748-8T>C (NM_001330094.2); c.1736-8T>C (NM_001330095.2, NM_001330082.2, NM_001330077.2); c.1760-8T>C (NM_001330085.2, NM_004801.6, NM_001330086.2); c.1880-8T>C (NM_001135659.3).
Identifiers: ClinVar variation 385630 (VCV000385630.1), dbSNP rs1057522281, ClinGen allele CA16604632.

ClinVar aggregate classification (germline): Likely benign (1 of 4 stars; one submission).

Submission:

GeneDx
Classification: Likely benign. Last evaluated: 2016-04-29. Review status: criteria provided, single submitter. Criteria: GeneDx Variant Classification (06012015). Collection method: clinical testing. Allele origin: germline. Affected: yes.
Comment: This variant is considered likely benign or benign based on one or more of the following criteria: it is a conservative change, it occurs at a poorly conserved position in the protein, it is predicted to be benign by multiple in silico algorithms, and/or has population frequency not consistent with disease.